The following is an entry in ClinVar:

NM_139057.4(ADAMTS17):c.43CTG[5] (p.Leu18_Val19insLeu)

Gene: ADAMTS17 (ADAM metallopeptidase with thrombospondin type 1 motif 17; minus strand). Cytogenetic location: 15q26.3.
Variant type: Microsatellite.
Coding change: c.43CTG[5] on transcript NM_139057.4 (MANE Select); five copies in a row of the 3-base unit CTG starting at c.43; the reference has four copies in a row; one copy, 3 bases duplicated; also written c.52_54dup.
Protein change: p.Leu18_Val19insLeu.
Molecular consequence: inframe insertion.
Genome position (GRCh38, 1-based): chr15:100,341,846-100,341,848, CAG duplicated on the plus strand (CTG on the coding strand, the reverse complement: ADAMTS17 is on the minus strand); duplicating any 3 consecutive bases within chr15:100,341,846-100,341,859 gives the same sequence; the position shown is the placement nearest the transcript's 3' end. VCF-style (leftmost placement, unchanged base first): chr15-100341845-C-CCAG. GRCh37 (hg19) VCF-style: chr15-100882050-C-CCAG.
Other names: p.Leu18dup; c.52_54dup (NM_139057.4).
Identifiers: ClinVar variation 2098093 (VCV002098093.3), dbSNP rs745917164, ClinGen allele CA710609764.

ClinVar aggregate classification (germline): Uncertain significance. Review status: criteria provided, multiple submitters, no conflicts (2 of 4 stars). 2 submissions from 2 submitters: Uncertain significance (2). Last evaluated 2024-04-03.

Submissions (2):

Mayo Clinic Laboratories, Mayo Clinic
Classification: Uncertain significance. Last evaluated: 2024-04-03. Review status: criteria provided, single submitter. Criteria: ACMG Guidelines, 2015. Collection method: clinical testing. Allele origin: germline. Observed: 1 variant allele.
Comment: BP3

Labcorp Genetics (formerly Invitae), Labcorp
Classification: Uncertain significance. Last evaluated: 2022-08-06. Review status: criteria provided, single submitter. Criteria: Invitae Variant Classification Sherloc (09022015). Collection method: clinical testing. Allele origin: germline.
Comment: In summary, the available evidence is currently insufficient to determine the role of this variant in disease. Therefore, it has been classified as a Variant of Uncertain Significance. Experimental studies and prediction algorithms are not available or were not evaluated, and the functional significance of this variant is currently unknown. This variant has not been reported in the literature in individuals affected with ADAMTS17-related conditions. This variant is not present in population databases (gnomAD no frequency). This variant, c.52_54dup, results in the insertion of 1 amino acid(s) of the ADAMTS17 protein (p.Leu18dup), but otherwise preserves the integrity of the reading frame.